The following is an entry in ClinVar:

NM_000243.3(MEFV):c.1694A>G (p.Glu565Gly)

Genes: MEFV (MEFV innate immunity regulator, pyrin; minus strand), LOC126862264 (CDK7 strongly-dependent group 2 enhancer GRCh37_chr16:3293322-3294521; plus strand). Cytogenetic location: 16p13.3.
Variant type: single nucleotide variant.
Coding change: c.1694A>G on transcript NM_000243.3 (MANE Select); coding-DNA position 1694, A replaced by G.
Protein change: p.Glu565Gly; replaces glutamic acid 565 with glycine.
Molecular consequence: missense variant.
Genome position (GRCh38, 1-based): chr16:3,244,505, T>C on the plus strand (A>G on the coding strand, the complement: MEFV is on the minus strand). VCF-style: chr16-3244505-T-C. GRCh37 (hg19) VCF-style: chr16-3294505-T-C.
Other names: c.1061A>G, p.Glu354Gly (NM_001198536.2); short protein forms E354G, E565G.
Identifiers: ClinVar variation 1778193 (VCV001778193.8), dbSNP rs753915461, ClinGen allele CA394458137.

ClinVar aggregate classification (germline): Uncertain significance. Review status: criteria provided, multiple submitters, no conflicts (2 of 4 stars). 3 submissions from 3 submitters: Uncertain significance (3). Last evaluated 2025-07-02.

Conditions:
Familial Mediterranean fever (FMF). Also called: POLYSEROSITIS, FAMILIAL PAROXYSMAL; POLYSEROSITIS, RECURRENT; Periodic peritonitis; Benign paroxysmal peritonitis. Identifiers: Orphanet 342, MedGen C0031069, MONDO:0018088, OMIM 249100. Disease mechanism: gain of function.
Inborn genetic diseases. Identifiers: MedGen C0950123, MeSH D030342.

Allele frequency attached by ClinVar (database versions not stated): TOPMed below 0.00001; gnomAD exomes 0.00002.
gnomAD v4.1: 29 of 1,614,150 alleles (0.0018%); highest among the groups gnomAD compares: Non-Finnish European, 0.0024%; no homozygotes.

Submissions (3):

Ambry Genetics
Classification: Uncertain significance for Inborn genetic diseases. Last evaluated: 2025-07-02. Review status: criteria provided, single submitter. Criteria: Ambry Variant Classification Scheme 2023. Collection method: clinical testing. Allele origin: germline.

Labcorp Genetics (formerly Invitae), Labcorp
Classification: Uncertain significance for Familial Mediterranean fever. Last evaluated: 2024-10-03. Review status: criteria provided, single submitter. Criteria: Invitae Variant Classification Sherloc (09022015). Collection method: clinical testing. Allele origin: germline.
Comment: This sequence change replaces glutamic acid, which is acidic and polar, with glycine, which is neutral and non-polar, at codon 565 of the MEFV protein (p.Glu565Gly). This variant is present in population databases (no rsID available, gnomAD 0.002%). This variant has not been reported in the literature in individuals affected with MEFV-related conditions. ClinVar contains an entry for this variant (Variation ID: 1778193). An algorithm developed to predict the effect of missense changes on protein structure and function (PolyPhen-2) suggests that this variant is likely to be disruptive. Algorithms developed to predict the effect of sequence changes on RNA splicing suggest that this variant may disrupt the consensus splice site. In summary, the available evidence is currently insufficient to determine the role of this variant in disease. Therefore, it has been classified as a Variant of Uncertain Significance.

Blueprint Genetics
Classification: Uncertain significance. Last evaluated: 2023-07-12. Review status: criteria provided, single submitter. Criteria: ACMG Guidelines, 2015. Collection method: clinical testing. Allele origin: germline.